The following is an entry in ClinVar:

NM_022915.5(MRPL44):c.763T>G (p.Ser255Ala)

Gene: MRPL44 (mitochondrial ribosomal protein L44; plus strand). Cytogenetic location: 2q36.1.
Variant type: single nucleotide variant.
Coding change: c.763T>G on transcript NM_022915.5 (MANE Select); coding-DNA position 763, T replaced by G.
Protein change: p.Ser255Ala; replaces serine 255 with alanine.
Molecular consequence: missense variant.
Genome position (GRCh38, 1-based): chr2:223,963,870, T>G. VCF-style: chr2-223963870-T-G. GRCh37 (hg19) VCF-style: chr2-224828587-T-G.
Other names: short protein forms S255A.
Identifiers: ClinVar variation 2028504 (VCV002028504.1), dbSNP rs2469373066, ClinGen allele CA350808952.

ClinVar aggregate classification (germline): Uncertain significance (1 of 4 stars; one submission).

Submission:

Labcorp Genetics (formerly Invitae), Labcorp
Classification: Uncertain significance. Last evaluated: 2021-12-12. Review status: criteria provided, single submitter. Criteria: Invitae Variant Classification Sherloc (09022015). Collection method: clinical testing. Allele origin: germline.
Comment: This sequence change replaces serine, which is neutral and polar, with alanine, which is neutral and non-polar, at codon 255 of the MRPL44 protein (p.Ser255Ala). This variant is not present in population databases (gnomAD no frequency). This variant has not been reported in the literature in individuals affected with MRPL44-related conditions. Algorithms developed to predict the effect of missense changes on protein structure and function (SIFT, PolyPhen-2, Align-GVGD) all suggest that this variant is likely to be tolerated. In summary, the available evidence is currently insufficient to determine the role of this variant in disease. Therefore, it has been classified as a Variant of Uncertain Significance.